The following is an entry in ClinVar:

NM_000053.4(ATP7B):c.3916G>T (p.Asp1306Tyr)

Gene: ATP7B (ATPase copper transporting beta; minus strand). Cytogenetic location: 13q14.3.
Variant type: single nucleotide variant.
Coding change: c.3916G>T on transcript NM_000053.4 (MANE Select); coding-DNA position 3916, G replaced by T.
Protein change: p.Asp1306Tyr; replaces aspartic acid 1306 with tyrosine.
Molecular consequence: missense variant.
Genome position (GRCh38, 1-based): chr13:51,937,381, C>A on the plus strand (G>T on the coding strand, the complement: ATP7B is on the minus strand). VCF-style: chr13-51937381-C-A. GRCh37 (hg19) VCF-style: chr13-52511517-C-A.
Other names: c.3295G>T, p.Asp1099Tyr (NM_001005918.3); c.3583G>T, p.Asp1195Tyr (NM_001243182.2); c.3682G>T, p.Asp1228Tyr (NM_001330578.2, NM_001406527.1, NM_001406528.1); c.3664G>T, p.Asp1222Tyr (NM_001330579.2, NM_001406531.1, NM_001406532.1); c.3916G>T, p.Asp1306Tyr (NM_001406511.1, NM_001406512.1); c.3910G>T, p.Asp1304Tyr (NM_001406513.1); c.3883G>T, p.Asp1295Tyr (NM_001406514.1); c.3862G>T, p.Asp1288Tyr (NM_001406515.1, NM_001406516.1); and 21 more; short protein forms D1025Y, D1079Y, D1090Y, D1099Y, D1112Y, D1142Y, D1144Y, D1157Y.
Identifiers: ClinVar variation 3373222 (VCV003373222.3).

ClinVar aggregate classification (germline): Conflicting classifications of pathogenicity. Review status: criteria provided, conflicting classifications (1 of 4 stars). 2 submissions from 2 submitters: Likely pathogenic (1); Uncertain significance (1). Last evaluated 2025-04-10.

Conditions:
Wilson disease (WND). Also called: Wilson's disease. Identifiers: Orphanet 905, MedGen C0019202, MONDO:0010200, OMIM 277900. Disease mechanism: loss of function.

Submissions (2):

Labcorp Genetics (formerly Invitae), Labcorp
Classification: Likely pathogenic for Wilson disease. Last evaluated: 2025-04-10. Review status: criteria provided, single submitter. Criteria: Invitae Variant Classification Sherloc (09022015). Collection method: clinical testing. Allele origin: germline.
Comment: This sequence change replaces aspartic acid, which is acidic and polar, with tyrosine, which is neutral and polar, at codon 1306 of the ATP7B protein (p.Asp1306Tyr). This variant is not present in population databases (gnomAD no frequency). This missense change has been observed in individual(s) with clinical features of Wilson disease (internal data). In at least one individual the data is consistent with being in trans (on the opposite chromosome) from a pathogenic variant. ClinVar contains an entry for this variant (Variation ID: 3373222). Invitae Evidence Modeling of protein sequence and biophysical properties (such as structural, functional, and spatial information, amino acid conservation, physicochemical variation, residue mobility, and thermodynamic stability) indicates that this missense variant is expected to disrupt ATP7B protein function with a positive predictive value of 80%. In summary, the currently available evidence indicates that the variant is pathogenic, but additional data are needed to prove that conclusively. Therefore, this variant has been classified as Likely Pathogenic.

GeneDx
Classification: Uncertain significance. Last evaluated: 2024-04-29. Review status: criteria provided, single submitter. Criteria: GeneDx Variant Classification Process June 2021. Collection method: clinical testing. Allele origin: germline. Affected: yes.
Comment: In silico analysis supports that this missense variant has a deleterious effect on protein structure/function; Not observed at significant frequency in large population cohorts (gnomAD); This variant is associated with the following publications: (PMID: 30576569)